The following is an entry in ClinVar:

ClinVar aggregate classification (germline): Likely pathogenic (1 of 4 stars; one submission).

Submission:

GeneDx
Classification: Likely pathogenic. Last evaluated: 2024-10-25. Review status: criteria provided, single submitter. Criteria: GeneDx Variant Classification Process June 2021. Collection method: clinical testing. Allele origin: germline. Affected: yes.
Comment: Not observed in large population cohorts (gnomAD); In silico analysis supports that this missense variant has a deleterious effect on protein structure/function; Has not been previously published as pathogenic or benign to our knowledge

NM_020987.5(ANK3):c.2093T>C (p.Leu698Pro)

Gene: ANK3 (ankyrin 3; minus strand). Cytogenetic location: 10q21.2.
Variant type: single nucleotide variant.
Coding change: c.2093T>C on transcript NM_020987.5 (MANE Select); coding-DNA position 2093, T replaced by C.
Protein change: p.Leu698Pro; replaces leucine 698 with proline.
Molecular consequence: missense variant.
Genome position (GRCh38, 1-based): chr10:60,181,420, A>G on the plus strand (T>C on the coding strand, the complement: ANK3 is on the minus strand). VCF-style: chr10-60181420-A-G. GRCh37 (hg19) VCF-style: chr10-61941178-A-G.
Other names: c.2075T>C, p.Leu692Pro (NM_001204403.2); c.2042T>C, p.Leu681Pro (NM_001204404.2); c.2093T>C, p.Leu698Pro (NM_001320874.2); short protein forms L681P, L692P, L698P.
Identifiers: ClinVar variation 3893318 (VCV003893318.1).